The following is an entry in ClinVar:

ClinVar aggregate classification (germline): Uncertain significance (1 of 4 stars; one submission).

Allele frequency attached by ClinVar (database versions not stated): gnomAD exomes 0.00001; ExAC 0.00007; gnomAD 0.00013; TOPMed 0.00015; ESP Exome Variant Server 0.00069.
gnomAD v4.1: 32 of 1,610,492 alleles (0.002%); highest among the groups gnomAD compares: African/African-American, 0.039%; no homozygotes.

Submission:

Labcorp Genetics (formerly Invitae), Labcorp
Classification: Uncertain significance. Last evaluated: 2022-05-11. Review status: criteria provided, single submitter. Criteria: Invitae Variant Classification Sherloc (09022015). Collection method: clinical testing. Allele origin: germline.
Comment: This sequence change falls in intron 2 of the PIGL gene. It does not directly change the encoded amino acid sequence of the PIGL protein. It affects a nucleotide within the consensus splice site. This variant is present in population databases (rs375037054, gnomAD 0.05%). This variant has not been reported in the literature in individuals affected with PIGL-related conditions. Variants that disrupt the consensus splice site are a relatively common cause of aberrant splicing (PMID: 17576681, 9536098). Algorithms developed to predict the effect of sequence changes on RNA splicing suggest that this variant is not likely to affect RNA splicing. In summary, the available evidence is currently insufficient to determine the role of this variant in disease. Therefore, it has been classified as a Variant of Uncertain Significance.

Literature cited by the submitters: PubMed 17576681; PubMed 9536098.

NM_004278.4(PIGL):c.336-3T>C

Gene: PIGL (phosphatidylinositol glycan anchor biosynthesis class L; plus strand). Cytogenetic location: 17p11.2.
Variant type: single nucleotide variant.
Coding change: c.336-3T>C on transcript NM_004278.4 (MANE Select); 3 bases into the intron before coding-DNA position 336, T replaced by C.
Molecular consequence: intron variant.
Genome position (GRCh38, 1-based): chr17:16,299,885, T>C. VCF-style: chr17-16299885-T-C. GRCh37 (hg19) VCF-style: chr17-16203199-T-C.
Identifiers: ClinVar variation 2173575 (VCV002173575.1), dbSNP rs375037054, ClinGen allele CA8409872.